The following is an entry in ClinVar:

NM_001283009.2(RTEL1):c.2932_2944del (p.Tyr978fs)

Genes: RTEL1 (regulator of telomere elongation helicase 1; plus strand), RTEL1-TNFRSF6B (RTEL1-TNFRSF6B readthrough (NMD candidate); plus strand). Cytogenetic location: 20q13.33.
Variant type: Deletion.
Coding change: c.2932_2944del on transcript NM_001283009.2 (MANE Select); coding-DNA positions 2932 to 2944, 13 bases deleted (TATCGGCCTGAGC).
Protein change: p.Tyr978fs; shifts the reading frame from tyrosine 978.
Molecular consequence: frameshift variant. On other transcripts: non-coding transcript variant (1).
Genome position (GRCh38, 1-based): chr20:63,693,223-63,693,235, TATCGGCCTGAGC deleted; deleting any 13 consecutive bases within chr20:63,693,221-63,693,235 gives the same sequence; the c. name uses the placement nearest the transcript's 3' end. VCF-style (leftmost placement, unchanged base first): chr20-63693220-GGCTATCGGCCTGA-G. GRCh37 (hg19) VCF-style: chr20-62324573-GGCTATCGGCCTGA-G.
Other names: c.2263_2275del, p.Tyr755fs (NM_001283010.1); c.2932_2944del, p.Tyr978fs (NM_016434.4); c.3004_3016del, p.Tyr1002fs (NM_032957.5); c.3002_3014del (NM_032957.5); short protein forms Y1002fs, Y755fs, Y978fs.
Identifiers: ClinVar variation 918060 (VCV000918060.2), dbSNP rs2090805858, ClinGen allele CA1139666808.

ClinVar aggregate classification (germline): Pathogenic (1 of 4 stars; one submission).

Conditions:
Dyskeratosis congenita, autosomal recessive 5 (DKCB5). Identifiers: MedGen C3554656, MONDO:0014076, OMIM 615190.

Submission:

Foundation for Research in Genetics and Endocrinology, FRIGE's Institute of Human Genetics
Classification: Pathogenic for Dyskeratosis congenita, autosomal recessive 5. Last evaluated: 2020-04-14. Review status: criteria provided, single submitter. Criteria: ACMG Guidelines, 2015. Collection method: clinical testing. Allele origin: germline. Inheritance: Autosomal recessive inheritance. Affected: yes. Observed: 1 homozygote.
Comment: A homozygous 13 base pair deletion in exon 30 of the RTEL1 gene that results in a frameshift and premature truncation of the protein 25 amino acids downstream to codon 1002 was detected. The observed variant c.3002_3014del (p.Tyr1002ThrfsTer25) has not been reported in the 1000 genomes and ExAC databases. The in silico prediction of the variant is damaging by MutationTaster2. The reference codon is conserved across species. In summary, the variant meets our criteria to be classified as pathogenic.